The following is an entry in ClinVar:

ClinVar aggregate classification (germline): Benign (1 of 4 stars; one submission).

Allele frequency attached by ClinVar (database versions not stated): 1000 Genomes Project 30x 0.42021; 1000 Genomes Project 0.42752; TOPMed 0.45682; ESP Exome Variant Server 0.46475.
gnomAD v4.1: 788,019 of 1,567,922 alleles (50%); highest among the groups gnomAD compares: Non-Finnish European, 52%; 199,685 homozygotes.

Submission:

Unidad de Genómica Garrahan, Hospital de Pediatría Garrahan
Classification: Benign. Last evaluated: 2023-11-12. Review status: criteria provided, single submitter. Criteria: ACMG Guidelines, 2015. Collection method: clinical testing. Allele origin: germline. Affected: no. Observed: 68 variant alleles.
Comment: This variant is classified as Benign based on local population frequency. This variant was detected in 71% of patients studied by a panel of primary immunodeficiencies. Number of patients: 68. Only high quality variants are reported.

NM_006509.4(RELB):c.1207+29C>G

Gene: RELB (RELB proto-oncogene, NF-kB subunit; plus strand). Cytogenetic location: 19q13.32.
Variant type: single nucleotide variant.
Coding change: c.1207+29C>G on transcript NM_006509.4 (MANE Select); 29 bases into the intron after coding-DNA position 1207, C replaced by G.
Molecular consequence: intron variant.
Genome position (GRCh38, 1-based): chr19:45,032,778, C>G. VCF-style: chr19-45032778-C-G. GRCh37 (hg19) VCF-style: chr19-45536036-C-G.
Other names: c.1198+29C>G (NM_001411087.1).
Identifiers: ClinVar variation 2628126 (VCV002628126.2), dbSNP rs10424046, ClinGen allele CA9507771.